The following is an entry in ClinVar:

NM_000428.3(LTBP2):c.804_821del (p.265PQSPPA[1])

Gene: LTBP2 (latent transforming growth factor beta binding protein 2; minus strand). Cytogenetic location: 14q24.3.
Variant type: Deletion.
Coding change: c.804_821del on transcript NM_000428.3 (MANE Select); coding-DNA positions 804 to 821, 18 bases deleted (GCCCGCACCACAGTCGCC).
Protein change: p.265PQSPPA[1].
Molecular consequence: inframe deletion.
Genome position (GRCh38, 1-based): chr14:74,585,863-74,585,880, GGCGACTGTGGTGCGGGC deleted on the plus strand (GCCCGCACCACAGTCGCC on the coding strand, the reverse complement: LTBP2 is on the minus strand); deleting any 18 consecutive bases within chr14:74,585,863-74,585,894 gives the same sequence; the c. name uses the placement nearest the transcript's 3' end. VCF-style (leftmost placement, unchanged base first): chr14-74585862-TGGCGACTGTGGTGCGGGC-T. GRCh37 (hg19) VCF-style: chr14-75052565-TGGCGACTGTGGTGCGGGC-T.
Other names: c.804_821del (NM_000428.2); c.804_821del18 (NM_000428.2).
Identifiers: ClinVar variation 1365526 (VCV001365526.8), dbSNP rs554570575, ClinGen allele CA7270083.

ClinVar aggregate classification (germline): Uncertain significance. Review status: criteria provided, multiple submitters, no conflicts (2 of 4 stars). 5 submissions from 5 submitters: Uncertain significance (4). 1 of the submissions does not count toward it. Last evaluated 2026-01-25.

Conditions:
LTBP2-related disorder. Also called: LTBP2-related disorders; LTBP2-related condition.
Weill-Marchesani syndrome 3 (WMS3). Also called: LTBP2-Related Weill-Marchesani Syndrome; Weill-Marchesani syndrome 3, recessive. Identifiers: Orphanet 3449, MedGen C3553785, MONDO:0013899, OMIM 614819.

Submissions (5):

Labcorp Genetics (formerly Invitae), Labcorp
Classification: Uncertain significance. Last evaluated: 2026-01-25. Review status: criteria provided, single submitter. Criteria: Invitae Variant Classification Sherloc (09022015). Collection method: clinical testing. Allele origin: germline.
Comment: This variant, c.804_821del, results in the deletion of 6 amino acid(s) of the LTBP2 protein (p.Pro271_Ala276del), but otherwise preserves the integrity of the reading frame. This variant is present in population databases (rs757670961, gnomAD 0.03%). This variant has not been reported in the literature in individuals affected with LTBP2-related conditions. ClinVar contains an entry for this variant (Variation ID: 1365526). Experimental studies and prediction algorithms are not available or were not evaluated, and the functional significance of this variant is currently unknown. In summary, the available evidence is currently insufficient to determine the role of this variant in disease. Therefore, it has been classified as a Variant of Uncertain Significance.

GeneDx
Classification: Uncertain significance. Last evaluated: 2025-03-31. Review status: criteria provided, single submitter. Criteria: GeneDx Variant Classification Process June 2021. Collection method: clinical testing. Allele origin: germline. Affected: yes.
Comment: In-frame deletion of 6 amino acids in a non-repeat region; Has not been previously published as pathogenic or benign to our knowledge

Blueprint Genetics
Classification: Uncertain significance. Last evaluated: 2024-10-24. Review status: criteria provided, single submitter. Criteria: ACMG Guidelines, 2015. Collection method: clinical testing. Allele origin: germline.

3billion
Classification: Uncertain significance for Weill-Marchesani syndrome 3. Last evaluated: 2022-05-22. Review status: criteria provided, single submitter. Criteria: ACMG Guidelines, 2015. Collection method: clinical testing. Allele origin: germline. Affected: yes. Observed: 1 heterozygote.
Comment: The variant is observed at an extremely low frequency in the gnomAD v2.1.1 dataset (total allele frequency: 0.016%). Inframe deletion located in a nonrepeat region: predicted to change the length of the protein and disrupt normal protein function. Therefore, this variant is classified as uncertain significanceaccording to the recommendation of ACMG/AMP guideline.

PreventionGenetics, part of Exact Sciences
Classification: Uncertain significance for LTBP2-related condition. Last evaluated: 2024-04-09. Review status: no assertion criteria provided. Collection method: clinical testing. Allele origin: germline. Not counted in ClinVar's aggregate classification.
Comment: The LTBP2 c.804_821del18 variant is predicted to result in an in-frame deletion (p.Pro271_Ala276del). To our knowledge, this variant has not been reported in the literature. This variant is reported in 0.034% of alleles in individuals of European (Non-Finnish) descent in gnomAD. At this time, the clinical significance of this variant is uncertain due to the absence of conclusive functional and genetic evidence.